The following is an entry in ClinVar:

NM_033380.3(COL4A5):c.646-2A>G

Gene: COL4A5 (collagen type IV alpha 5 chain; plus strand). Cytogenetic location: Xq22.3.
Variant type: single nucleotide variant.
Coding change: c.646-2A>G on transcript NM_033380.3 (MANE Select); the canonical splice acceptor site of the intron before coding-DNA position 646, A replaced by G.
Molecular consequence: splice acceptor variant.
Genome position (GRCh38, 1-based): chrX:108,578,076, A>G. VCF-style: chrX-108578076-A-G. GRCh37 (hg19) VCF-style: chrX-107821306-A-G.
Other names: c.646-2A>G (NM_000495.5).
Identifiers: ClinVar variation 2419218 (VCV002419218.8), dbSNP rs2524234713, ClinGen allele CA413923404.

ClinVar aggregate classification (germline): Pathogenic (1 of 4 stars; one submission).

Submission:

Labcorp Genetics (formerly Invitae), Labcorp
Classification: Pathogenic. Last evaluated: 2022-12-09. Review status: criteria provided, single submitter. Criteria: Invitae Variant Classification Sherloc (09022015). Collection method: clinical testing. Allele origin: germline.
Comment: Algorithms developed to predict the effect of sequence changes on RNA splicing suggest that this variant may disrupt the consensus splice site. Disruption of this splice site has been observed in individuals with clinical features of X-linked Alport syndrome and/or X-linked Alport syndrome (PMID: 29959198, 31901041). This variant is not present in population databases (gnomAD no frequency). This sequence change affects an acceptor splice site in intron 11 of the COL4A5 gene. It is expected to disrupt RNA splicing. Variants that disrupt the donor or acceptor splice site typically lead to a loss of protein function (PMID: 16199547), and loss-of-function variants in COL4A5 are known to be pathogenic (PMID: 9195222, 10752524, 14514738, 24854265, 26809805). For these reasons, this variant has been classified as Pathogenic.

Literature cited by the submitters: PubMed 29959198; PubMed 31901041; PubMed 16199547; PubMed 9195222; PubMed 10752524; PubMed 14514738; PubMed 24854265; PubMed 26809805.